The following is an entry in ClinVar:

NM_005188.4(CBL):c.1648C>T (p.Arg550Trp)

Gene: CBL (Cbl proto-oncogene; plus strand). Cytogenetic location: 11q23.3.
Variant type: single nucleotide variant.
Coding change: c.1648C>T on transcript NM_005188.4 (MANE Select); coding-DNA position 1648, C replaced by T.
Protein change: p.Arg550Trp; replaces arginine 550 with tryptophan.
Molecular consequence: missense variant.
Genome position (GRCh38, 1-based): chr11:119,285,273, C>T. VCF-style: chr11-119285273-C-T. GRCh37 (hg19) VCF-style: chr11-119155983-C-T.
Other names: c.1648C>T (NM_005188.2); short protein forms R550W.
Identifiers: ClinVar variation 918146 (VCV000918146.14), dbSNP rs202065722, ClinGen allele CA6318581.

ClinVar aggregate classification (germline): Uncertain significance. Review status: criteria provided, multiple submitters, no conflicts (2 of 4 stars). 5 submissions from 5 submitters: Uncertain significance (4). 1 of the submissions does not count toward it. Last evaluated 2026-03-03.

Conditions:
RASopathy. Also called: Noonan spectrum disorder; rasopathies. Identifiers: Orphanet 536391, MedGen C5555857, MONDO:0021060.
CBL-related disorder. Also called: CBL MUTATION-ASSOCIATED SYNDROME; CBL SYNDROME; NOONAN SYNDROME-LIKE DISORDER WITHOUT JUVENILE MYELOMONOCYTIC LEUKEMIA. Identifiers: Orphanet 363972, MedGen C3150803, MONDO:0013308, OMIM 613563.

Allele frequency attached by ClinVar (database versions not stated): gnomAD 0.00004 and 0.00003; TOPMed 0.00002; ExAC 0.00003; gnomAD exomes 0.00003.
gnomAD v4.1: 51 of 1,614,034 alleles (0.0032%); highest among the groups gnomAD compares: Admixed American, 0.005%; no homozygotes.

Submissions (5):

GeneDx
Classification: Uncertain significance. Last evaluated: 2026-03-03. Review status: criteria provided, single submitter. Criteria: GeneDx Variant Classification Process June 2021. Collection method: clinical testing. Allele origin: germline.
Comment: In silico analysis supports that this missense variant has a deleterious effect on protein structure/function; Has not been previously reported as pathogenic or benign in association with a RASopathy to our knowledge; This variant is associated with the following publications: (PMID: 20619386, 29177441)

Labcorp Genetics (formerly Invitae), Labcorp
Classification: Uncertain significance for RASopathy. Last evaluated: 2025-11-09. Review status: criteria provided, single submitter. Criteria: Invitae Variant Classification Sherloc (09022015). Collection method: clinical testing. Allele origin: germline.
Comment: This sequence change replaces arginine, which is basic and polar, with tryptophan, which is neutral and slightly polar, at codon 550 of the CBL protein (p.Arg550Trp). This variant is present in population databases (rs202065722, gnomAD 0.005%). This variant has not been reported in the literature in individuals affected with CBL-related conditions. ClinVar contains an entry for this variant (Variation ID: 918146). Invitae Evidence Modeling of protein sequence and biophysical properties (such as structural, functional, and spatial information, amino acid conservation, physicochemical variation, residue mobility, and thermodynamic stability) indicates that this missense variant is not expected to disrupt CBL protein function with a negative predictive value of 95%. In summary, the available evidence is currently insufficient to determine the role of this variant in disease. Therefore, it has been classified as a Variant of Uncertain Significance.

Women's Health and Genetics/Laboratory Corporation of America, LabCorp
Classification: Uncertain significance. Last evaluated: 2023-12-27. Review status: criteria provided, single submitter. Criteria: LabCorp Variant Classification Summary - May 2015. Collection method: clinical testing. Allele origin: germline.
Comment: Variant summary: CBL c.1648C>T (p.Arg550Trp) results in a non-conservative amino acid change in the encoded protein sequence. Five of five in-silico tools predict a damaging effect of the variant on protein function. The variant allele was found at a frequency of 2.8e-05 in 251452 control chromosomes. The available data on variant occurrences in the general population are insufficient to allow any conclusion about variant significance. c.1648C>T has been reported in the literature in an individual affected with persistent cloaca (Hsu_2018). These report(s) do not provide unequivocal conclusions about association of the variant with Noonan Syndrome And Related Conditions. To our knowledge, no experimental evidence demonstrating an impact on protein function has been reported. The following publication have been ascertained in the context of this evaluation (PMID: 29177441). Two submitters have cited clinical-significance assessments for this variant to ClinVar after 2014. All submitters classified the variant as uncertain significance. Based on the evidence outlined above, the variant was classified as uncertain significance.

Genetic Services Laboratory, University of Chicago
Classification: Uncertain significance. Last evaluated: 2023-03-22. Review status: criteria provided, single submitter. Criteria: ACMG Guidelines, 2015. Collection method: clinical testing. Allele origin: germline. Affected: no.
Comment: DNA sequence analysis of the CBL gene demonstrated a sequence change, c.1648C>T, in exon 11 that results in an amino acid change, p.Arg550Trp. This sequence change does not appear to have been previously described in individuals with CBL-related disorders. This sequence change has been described in the gnomAD database with a frequency of 0.003% in the overall population (dbSNP rs202065722). The p.Arg550Trp change affects a highly conserved amino acid residue located in a domain of the CBL protein that is not known to be functional. The p.Arg550Trp substitution appears to be deleterious using several in-silico pathogenicity prediction tools (SIFT, PolyPhen2, Align GVGD, REVEL). Due to insufficient evidences and the lack of functional studies, the clinical significance of the p.Arg550Trp change remains unknown at this time.

PreventionGenetics, part of Exact Sciences
Classification: Uncertain significance for CBL-related condition. Last evaluated: 2024-03-19. Review status: no assertion criteria provided. Collection method: clinical testing. Allele origin: germline. Not counted in ClinVar's aggregate classification.
Comment: The CBL c.1648C>T variant is predicted to result in the amino acid substitution p.Arg550Trp. This variant has been reported as uncertain in an individual with indolent systemic mastocytosis (ISM) who was positive for the  pathogenic KIT variant p.Asp816Val in bone marrow mast cells (Table S2, Munoz-Gonzalez et al. 2019. PubMed ID: 31151985). This variant has also been reported as uncertain in a study of patients with persistent cloaca (Hsu et al. 2018. PubMed ID: 29177441). This variant is reported in 0.0044% of alleles in individuals of European (Non-Finnish) descent in gnomAD. At this time, the clinical significance of this variant is uncertain due to the absence of conclusive functional and genetic evidence.

Literature cited by the submitters: PubMed 29177441 (cited by Women's Health and Genetics/Laboratory Corporation of America, LabCorp).